The following is an entry in ClinVar:

NM_016038.4(SBDS):c.217A>G (p.Ser73Gly)

Gene: SBDS (SBDS ribosome maturation factor; minus strand). Cytogenetic location: 7q11.21.
Variant type: single nucleotide variant.
Coding change: c.217A>G on transcript NM_016038.4 (MANE Select); coding-DNA position 217, A replaced by G.
Protein change: p.Ser73Gly; replaces serine 73 with glycine.
Molecular consequence: missense variant.
Genome position (GRCh38, 1-based): chr7:66,994,253, T>C on the plus strand (A>G on the coding strand, the complement: SBDS is on the minus strand). VCF-style: chr7-66994253-T-C. GRCh37 (hg19) VCF-style: chr7-66459240-T-C.
Other names: short protein forms S73G.
Identifiers: ClinVar variation 3950319 (VCV003950319.1).
Genomic context (GRCh38, chr7:66,994,253, plus strand): 5'-TGCTGCAGCTGTTACCCACCTGCTTACAGATTTCAGTTTGGTCATCTGTTCCAAACGCAC[T>C]GATGAGATCTTCCTTTTTGGCAACCTGACCTTTAGAAACATTTACAAACACTGAGTGGGT-3'
Protein context (NP_057122.2, residues 63-83): GQVAKKEDLI[Ser73Gly]AFGTDDQTEI

ClinVar aggregate classification (germline): Uncertain significance (1 of 4 stars; one submission).

Conditions:
Inborn genetic diseases. Identifiers: MedGen C0950123, MeSH D030342.

Submission:

Ambry Genetics
Classification: Uncertain significance for Inborn genetic diseases. Last evaluated: 2025-05-05. Review status: criteria provided, single submitter. Criteria: Ambry Variant Classification Scheme 2023. Collection method: clinical testing. Allele origin: germline.
Comment: The p.S73G variant (also known as c.217A>G), located in coding exon 2 of the SBDS gene, results from an A to G substitution at nucleotide position 217. The serine at codon 73 is replaced by glycine, an amino acid with similar properties. This amino acid position is conserved. In addition, the in silico prediction for this alteration is inconclusive. Based on the available evidence, the clinical significance of this variant remains unclear.